The following is an entry in ClinVar:

NM_002801.4(PSMB10):c.719G>T (p.Arg240Leu)

Gene: PSMB10 (proteasome 20S subunit beta 10; minus strand). Cytogenetic location: 16q22.1.
Variant type: single nucleotide variant.
Coding change: c.719G>T on transcript NM_002801.4 (MANE Select); coding-DNA position 719, G replaced by T.
Protein change: p.Arg240Leu; replaces arginine 240 with leucine.
Molecular consequence: missense variant.
Genome position (GRCh38, 1-based): chr16:67,934,663, C>A on the plus strand (G>T on the coding strand, the complement: PSMB10 is on the minus strand). VCF-style: chr16-67934663-C-A. GRCh37 (hg19) VCF-style: chr16-67968566-C-A.
Other names: short protein forms R240L.
Identifiers: ClinVar variation 3310960 (VCV003310960.9).

ClinVar aggregate classification (germline): Uncertain significance. Review status: criteria provided, multiple submitters, no conflicts (2 of 4 stars). 2 submissions from 2 submitters: Uncertain significance (2). Last evaluated 2025-06-01.

Submissions (2):

CeGaT Center for Human Genetics Tuebingen
Classification: Uncertain significance. Last evaluated: 2025-06-01. Review status: criteria provided, single submitter. Criteria: CeGaT Center For Human Genetics Tuebingen Variant Classification Criteria Version 2. Collection method: clinical testing. Allele origin: germline. Affected: yes. Observed: 1 variant allele.
Comment: PSMB10: PM2, BP4

Ambry Genetics
Classification: Uncertain significance. Last evaluated: 2024-05-21. Review status: criteria provided, single submitter. Criteria: Ambry Variant Classification Scheme 2023. Collection method: clinical testing. Allele origin: germline.